The following is an entry in ClinVar:

ClinVar aggregate classification (germline): Conflicting classifications of pathogenicity. Review status: criteria provided, conflicting classifications (1 of 4 stars). 2 submissions from 2 submitters: Pathogenic (1); Uncertain significance (1). Last evaluated 2023-04-09.

Conditions:
Autosomal recessive ataxia, Beauce type. Also called: Spinocerebellar ataxia, autosomal recessive 8; ATAXIA, RECESSIVE, OF BEAUCE; SYNE1-Related Autosomal Recessive Cerebellar Ataxia; SYNE1 Deficiency. Identifiers: Orphanet 88644, MedGen C1853116, MONDO:0012549, OMIM 610743.
Emery-Dreifuss muscular dystrophy 4, autosomal dominant (EDMD4). Also called: EMERY-DREIFUSS MUSCULAR DYSTROPHY 4 WITH VARIABLE FEATURES. Identifiers: Orphanet 261, MedGen C2751807, MONDO:0013071, OMIM 612998.

Submissions (2):

Labcorp Genetics (formerly Invitae), Labcorp
Classification: Pathogenic for Emery-Dreifuss muscular dystrophy 4, autosomal dominant; Autosomal recessive ataxia, Beauce type. Last evaluated: 2023-04-09. Review status: criteria provided, single submitter. Criteria: Invitae Variant Classification Sherloc (09022015). Collection method: clinical testing. Allele origin: germline.
Comment: For these reasons, this variant has been classified as Pathogenic. ClinVar contains an entry for this variant (Variation ID: 282324). This variant has not been reported in the literature in individuals affected with SYNE1-related conditions. This variant is not present in population databases (gnomAD no frequency). This sequence change creates a premature translational stop signal (p.Lys4124Argfs*2) in the SYNE1 gene. It is expected to result in an absent or disrupted protein product. Loss-of-function variants in SYNE1 are known to be pathogenic (PMID: 19542096, 24319099, 27086870).

Eurofins Ntd Llc (ga)
Classification: Uncertain significance. Last evaluated: 2015-08-18. Review status: criteria provided, single submitter. Criteria: EGL Classification Definitions 2015. Collection method: clinical testing. Allele origin: germline. Observed: 1 variant allele, 1 heterozygote.

Literature cited by the submitters: PubMed 19542096 (cited by Labcorp Genetics (formerly Invitae), Labcorp); PubMed 24319099 (cited by Labcorp Genetics (formerly Invitae), Labcorp); PubMed 27086870 (cited by Labcorp Genetics (formerly Invitae), Labcorp).

NM_182961.4(SYNE1):c.12584del (p.Lys4195fs)

Gene: SYNE1 (spectrin repeat containing nuclear envelope protein 1; minus strand). Cytogenetic location: 6q25.2.
Variant type: Deletion.
Coding change: c.12584del on transcript NM_182961.4 (MANE Select); coding-DNA position 12584, one base deleted (A; older notation c.12584delA).
Protein change: p.Lys4195fs; shifts the reading frame from lysine 4195.
Molecular consequence: frameshift variant.
Genome position (GRCh38, 1-based): chr6:152,334,218, T deleted on the plus strand (A on the coding strand, the reverse complement: SYNE1 is on the minus strand); the first of 4 consecutive T bases (chr6:152,334,218-152,334,221); deleting any one gives the same sequence. VCF-style (leftmost placement, unchanged base first): chr6-152334217-CT-C. GRCh37 (hg19) VCF-style: chr6-152655352-CT-C.
Other names: c.12371delA (NM_033071.3); c.12371del, p.Lys4124fs (NM_033071.5); short protein forms K4124fs, K4195fs.
Identifiers: ClinVar variation 282324 (VCV000282324.10), dbSNP rs886042380, ClinGen allele CA10604147.